The following is an entry in ClinVar:

ClinVar aggregate classification (germline): Uncertain significance. Review status: criteria provided, multiple submitters, no conflicts (2 of 4 stars). 2 submissions from 2 submitters: Uncertain significance (2). Last evaluated 2025-08-28.

Conditions:
Peroxisome biogenesis disorder, complementation group 7 (CG7). Also called: Peroxisome biogenesis disorder, complementation group B. Identifiers: MedGen C1864399.
PEX10-related disorder. Also called: PEX10-related condition.

Allele frequency attached by ClinVar (database versions not stated): gnomAD 0.00001; TOPMed 0.00001; ExAC 0.00002; gnomAD exomes 0.00003.
gnomAD v4.1: 47 of 1,611,934 alleles (0.0029%); highest among the groups gnomAD compares: Middle Eastern, 0.018%; no homozygotes.

Submissions (2):

PreventionGenetics, part of Exact Sciences
Classification: Uncertain significance for PEX10-related condition. Last evaluated: 2025-08-28. Review status: criteria provided, single submitter. Criteria: ACMG Guidelines, 2015. Collection method: clinical testing. Allele origin: germline.
Comment: The PEX10 c.965G>A variant is predicted to result in the amino acid substitution p.Ser322Asn. To our knowledge, this variant has not been reported in the literature. This variant is reported in 0.0045% of alleles in individuals of European (Non-Finnish) descent in gnomAD. At this time, the clinical significance of this variant is uncertain due to the absence of conclusive functional and genetic evidence.

Labcorp Genetics (formerly Invitae), Labcorp
Classification: Uncertain significance for Peroxisome biogenesis disorder, complementation group 7. Last evaluated: 2022-02-05. Review status: criteria provided, single submitter. Criteria: Invitae Variant Classification Sherloc (09022015). Collection method: clinical testing. Allele origin: germline.
Comment: This sequence change replaces serine, which is neutral and polar, with asparagine, which is neutral and polar, at codon 322 of the PEX10 protein (p.Ser322Asn). This variant is present in population databases (rs748431314, gnomAD 0.004%). This variant has not been reported in the literature in individuals affected with PEX10-related conditions. Algorithms developed to predict the effect of missense changes on protein structure and function output the following: SIFT: "Tolerated"; PolyPhen-2: "Benign"; Align-GVGD: "Class C0". The asparagine amino acid residue is found in multiple mammalian species, which suggests that this missense change does not adversely affect protein function. In summary, the available evidence is currently insufficient to determine the role of this variant in disease. Therefore, it has been classified as a Variant of Uncertain Significance.

NM_002617.4(PEX10):c.905G>A (p.Ser302Asn)

Gene: PEX10 (peroxisomal biogenesis factor 10; minus strand). Cytogenetic location: 1p36.32.
Variant type: single nucleotide variant.
Coding change: c.905G>A on transcript NM_002617.4 (MANE Select); coding-DNA position 905, G replaced by A.
Protein change: p.Ser302Asn; replaces serine 302 with asparagine.
Molecular consequence: missense variant. On other transcripts: non-coding transcript variant (1).
Genome position (GRCh38, 1-based): chr1:2,406,491, C>T on the plus strand (G>A on the coding strand, the complement: PEX10 is on the minus strand). VCF-style: chr1-2406491-C-T. GRCh37 (hg19) VCF-style: chr1-2337930-C-T.
Other names: c.965G>A (NM_153818.1); c.962G>A, p.Ser321Asn (NM_001374425.1); c.530G>A, p.Ser177Asn (NM_001374426.1); c.473G>A, p.Ser158Asn (NM_001374427.1); c.965G>A, p.Ser322Asn (NM_153818.2); short protein forms S177N, S158N, S302N, S321N, S322N.
Identifiers: ClinVar variation 2157391 (VCV002157391.2), dbSNP rs748431314, ClinGen allele CA537984.
Genomic context (GRCh38, chr1:2,406,491, plus strand): 5'-CTTGCCGGCACAGCCGCTGACCACCCCAGGACGGCAGCAGGCTCCCACCTCACCTTGCTG[C>T]TGCACCACGCGGTGATGCACTCCCAGCAGAACAGGTGGCCGCAGGGCGTGGCTGTTGGGT-3'
Protein context (NP_002608.1, residues 292-312): FCWECITAWC[Ser302Asn]SKAECPLCRE